The following is an entry in ClinVar:

ClinVar aggregate classification (germline): Uncertain significance (1 of 4 stars; one submission).

Allele frequency attached by ClinVar (database versions not stated): gnomAD exomes below 0.00001.
gnomAD v4.1: 3 of 1,606,074 alleles (0.00019%); highest among the groups gnomAD compares: Non-Finnish European, 0.00026%; no homozygotes.

Submission:

Labcorp Genetics (formerly Invitae), Labcorp
Classification: Uncertain significance. Last evaluated: 2022-09-29. Review status: criteria provided, single submitter. Criteria: Invitae Variant Classification Sherloc (09022015). Collection method: clinical testing. Allele origin: germline.
Comment: This sequence change replaces proline, which is neutral and non-polar, with alanine, which is neutral and non-polar, at codon 989 of the NLRP1 protein (p.Pro989Ala). This variant is not present in population databases (gnomAD no frequency). In summary, the available evidence is currently insufficient to determine the role of this variant in disease. Therefore, it has been classified as a Variant of Uncertain Significance. Algorithms developed to predict the effect of missense changes on protein structure and function are either unavailable or do not agree on the potential impact of this missense change (SIFT: "Tolerated"; PolyPhen-2: "Possibly Damaging"; Align-GVGD: "Class C0"). This variant has not been reported in the literature in individuals affected with NLRP1-related conditions.

NM_033004.4(NLRP1):c.2965C>G (p.Pro989Ala)

Gene: NLRP1 (NLR family pyrin domain containing 1; minus strand). Cytogenetic location: 17p13.2.
Variant type: single nucleotide variant.
Coding change: c.2965C>G on transcript NM_033004.4 (MANE Select); coding-DNA position 2965, C replaced by G.
Protein change: p.Pro989Ala; replaces proline 989 with alanine.
Molecular consequence: missense variant.
Genome position (GRCh38, 1-based): chr17:5,533,984, G>C on the plus strand (C>G on the coding strand, the complement: NLRP1 is on the minus strand). VCF-style: chr17-5533984-G-C. GRCh37 (hg19) VCF-style: chr17-5437304-G-C.
Other names: c.2965C>G, p.Pro989Ala (NM_001033053.3, NM_014922.5); c.2875C>G, p.Pro959Ala (NM_033006.4, NM_033007.4); short protein forms P989A, P959A.
Identifiers: ClinVar variation 1940743 (VCV001940743.5), dbSNP rs2507816028, ClinGen allele CA397392174.